The following is an entry in ClinVar:

ClinVar aggregate classification (germline): Conflicting classifications of pathogenicity. Review status: criteria provided, conflicting classifications (1 of 4 stars). 2 submissions from 1 submitter: Uncertain significance (1); Likely benign (1). Last evaluated 2018-01-12.

Conditions:
Susceptibility to mononeuropathy of the median nerve, mild. Also called: CARPAL TUNNEL SYNDROME, SUSCEPTIBILITY TO. Identifiers: MedGen C3150596, MONDO:0013237, OMIM 613353.
Charcot-Marie-Tooth disease type 4C (CMT4C). Also called: CHARCOT-MARIE-TOOTH DISEASE, DEMYELINATING, AUTOSOMAL RECESSIVE, TYPE 4C; CMT 4C; Charcot-Marie-Tooth Neuropathy Type 4C (CMT4C); CHARCOT-MARIE-TOOTH DISEASE, DEMYELINATING, TYPE 4C; SH3TC2-Related Hereditary Motor and Sensory Neuropathy. Identifiers: Orphanet 99949, MedGen C1866636, MONDO:0011113, OMIM 601596.

Allele frequency attached by ClinVar (database versions not stated): 1000 Genomes Project 0.00180; 1000 Genomes Project 30x 0.00187; gnomAD 0.00299; TOPMed 0.00342.

Submissions (2):

Illumina Laboratory Services, Illumina
Classification: Uncertain significance for Charcot-Marie-Tooth disease type 4C. Last evaluated: 2018-01-12. Review status: criteria provided, single submitter. Criteria: ICSL Variant Classification Criteria 13 December 2019. Collection method: clinical testing. Allele origin: germline.

Illumina Laboratory Services, Illumina
Classification: Likely benign for Susceptibility to mononeuropathy of the median nerve, mild. Last evaluated: 2018-01-12. Review status: criteria provided, single submitter. Criteria: ICSL Variant Classification Criteria 13 December 2019. Collection method: clinical testing. Allele origin: germline.
Comment: This variant was observed in the ICSL laboratory as part of a predisposition screen in an ostensibly healthy population. It had not been previously curated by ICSL or reported in the Human Gene Mutation Database (HGMD: prior to June 1st, 2018), and was therefore a candidate for classification through an automated scoring system. Utilizing variant allele frequency, disease prevalence and penetrance estimates, and inheritance mode, an automated score was calculated to assess if this variant is too frequent to cause the disease. Based on the score and internal cut-off values, a variant classified as likely benign is not then subjected to further curation. The score for this variant resulted in a classification of likely benign for this disease.

NM_024577.4(SH3TC2):c.*13598A>G

Gene: SH3TC2 (SH3 domain and tetratricopeptide repeats 2; minus strand). Cytogenetic location: 5q32.
Variant type: single nucleotide variant.
Coding change: c.*13598A>G on transcript NM_024577.4 (MANE Select); 13598 bases downstream of the stop codon, A replaced by G.
Molecular consequence: 3 prime UTR variant.
Genome position (GRCh38, 1-based): chr5:148,991,113, T>C on the plus strand (A>G on the coding strand, the complement: SH3TC2 is on the minus strand). VCF-style: chr5-148991113-T-C. GRCh37 (hg19) VCF-style: chr5-148370676-T-C.
Identifiers: ClinVar variation 351668 (VCV000351668.5), dbSNP rs141011337, ClinGen allele CA10623349.